The following is an entry in ClinVar:

NM_003172.4(SURF1):c.295C>G (p.Leu99Val)

Gene: SURF1 (SURF1 cytochrome c oxidase assembly factor; minus strand). Cytogenetic location: 9q34.2.
Variant type: single nucleotide variant.
Coding change: c.295C>G on transcript NM_003172.4 (MANE Select); coding-DNA position 295, C replaced by G.
Protein change: p.Leu99Val; replaces leucine 99 with valine.
Molecular consequence: missense variant. On other transcripts: 5 prime UTR variant (1).
Genome position (GRCh38, 1-based): chr9:133,354,687, G>C on the plus strand (C>G on the coding strand, the complement: SURF1 is on the minus strand). VCF-style: chr9-133354687-G-C. GRCh37 (hg19) VCF-style: chr9-136221542-G-C.
Other names: c.-33C>G (NM_001280787.1); short protein forms L99V.
Identifiers: ClinVar variation 2143716 (VCV002143716.1), dbSNP rs1233783877, ClinGen allele CA375694588.

ClinVar aggregate classification (germline): Uncertain significance (1 of 4 stars; one submission).

Conditions:
Leigh syndrome (NULS). Also called: Subacute necrotizing encephalopathy; Necrotizing encephalopathy infantile subacute of Leigh; LEIGH SYNDROME, NUCLEAR; Leigh's necrotizing encephalopathy; Leigh's disease; Leigh Syndrome (mtDNA deletion). Identifiers: Orphanet 506, MedGen C2931891, MONDO:0009723, OMIM 256000.

gnomAD v4.1: 4 of 1,613,298 alleles (0.00025%); highest among the groups gnomAD compares: South Asian, 0.0033%; no homozygotes.

Submission:

Labcorp Genetics (formerly Invitae), Labcorp
Classification: Uncertain significance for Leigh syndrome. Last evaluated: 2022-02-22. Review status: criteria provided, single submitter. Criteria: Invitae Variant Classification Sherloc (09022015). Collection method: clinical testing. Allele origin: germline.
Comment: This sequence change replaces leucine, which is neutral and non-polar, with valine, which is neutral and non-polar, at codon 99 of the SURF1 protein (p.Leu99Val). This variant is present in population databases (no rsID available, gnomAD 0.003%). This variant has not been reported in the literature in individuals affected with SURF1-related conditions. Algorithms developed to predict the effect of missense changes on protein structure and function (SIFT, PolyPhen-2, Align-GVGD) all suggest that this variant is likely to be tolerated. In summary, the available evidence is currently insufficient to determine the role of this variant in disease. Therefore, it has been classified as a Variant of Uncertain Significance.